The following is an entry in ClinVar:

NM_152783.5(D2HGDH):c.1307-15C>T

Gene: D2HGDH (D-2-hydroxyglutarate dehydrogenase; plus strand). Cytogenetic location: 2q37.3.
Variant type: single nucleotide variant.
Coding change: c.1307-15C>T on transcript NM_152783.5 (MANE Select); 15 bases into the intron before coding-DNA position 1307, C replaced by T.
Molecular consequence: intron variant.
Genome position (GRCh38, 1-based): chr2:241,767,695, C>T. VCF-style: chr2-241767695-C-T. GRCh37 (hg19) VCF-style: chr2-242707110-C-T.
Other names: c.746-15C>T (NM_001352824.2); c.905-15C>T (NM_001287249.2).
Identifiers: ClinVar variation 898432 (VCV000898432.12), dbSNP rs111836685, ClinGen allele CA2222192.
Genomic context (GRCh38, chr2:241,767,695, plus strand): 5'-AGGGGCTGTTGGGGGAGGAGTGGGGTCCTGGGGGCTGCCCTGCCCAGCCTGACCCATGTG[C>T]CCTTGTCCCTCCAGGAGATGGTAACCTGCACCTCAATGTGACGGCGGAGGCCTTCAGCCC-3'

ClinVar aggregate classification (germline): Benign/Likely benign. Review status: criteria provided, multiple submitters, no conflicts (2 of 4 stars). 3 submissions from 3 submitters: Benign (2); Likely benign (1). Last evaluated 2025-12-25.

Conditions:
D-2-hydroxyglutaric aciduria 1 (D2HGA1). Identifiers: Orphanet 79315, MedGen C3152055, MONDO:0024554, OMIM 600721.

Allele frequency attached by ClinVar (database versions not stated): gnomAD exomes 0.00027 and 0.00076; ExAC 0.00095; gnomAD 0.00290 and 0.00311; 1000 Genomes Project 0.00339; ESP Exome Variant Server 0.00339; TOPMed 0.00362; 1000 Genomes Project 30x 0.00375.
gnomAD v4.1: 863 of 1,612,502 alleles (0.054%); highest among the groups gnomAD compares: African/African-American, 1%; 4 homozygotes.

Submissions (3):

Labcorp Genetics (formerly Invitae), Labcorp
Classification: Benign for D-2-hydroxyglutaric aciduria 1. Last evaluated: 2025-12-25. Review status: criteria provided, single submitter. Criteria: Invitae Variant Classification Sherloc (09022015). Collection method: clinical testing. Allele origin: germline.

Blueprint Genetics
Classification: Likely benign. Last evaluated: 2024-10-18. Review status: criteria provided, single submitter. Criteria: ACMG Guidelines, 2015. Collection method: clinical testing. Allele origin: germline.

Illumina Laboratory Services, Illumina
Classification: Benign for D-2-hydroxyglutaric aciduria 1. Last evaluated: 2018-01-13. Review status: criteria provided, single submitter. Criteria: ICSL Variant Classification Criteria 13 December 2019. Collection method: clinical testing. Allele origin: germline.
Comment: This variant was observed in the ICSL laboratory as part of a predisposition screen in an ostensibly healthy population. It had not been previously curated by ICSL or reported in the Human Gene Mutation Database (HGMD: prior to June 1st, 2018), and was therefore a candidate for classification through an automated scoring system. Utilizing variant allele frequency, disease prevalence and penetrance estimates, and inheritance mode, an automated score was calculated to assess if this variant is too frequent to cause the disease. Based on the score and internal cut-off values, a variant classified as benign is not then subjected to further curation. The score for this variant resulted in a classification of benign for this disease.